The following is an entry in ClinVar:

NM_004415.4(DSP):c.3346del (p.Tyr1116fs)

Gene: DSP (desmoplakin; plus strand). Cytogenetic location: 6p24.3.
Variant type: Deletion.
Coding change: c.3346del on transcript NM_004415.4 (MANE Select); coding-DNA position 3346, one base deleted (T; older notation c.3346delT).
Protein change: p.Tyr1116fs; shifts the reading frame from tyrosine 1116.
Molecular consequence: frameshift variant.
Genome position (GRCh38, 1-based): chr6:7,579,536, T deleted; the last of 2 consecutive T bases (chr6:7,579,535-7,579,536); deleting either gives the same sequence. VCF-style (leftmost placement, unchanged base first): chr6-7579534-CT-C. GRCh37 (hg19) VCF-style: chr6-7579767-CT-C.
Other names: c.3346del, p.Tyr1116fs (NM_001008844.3, NM_001319034.2); short protein forms Y1116fs.
Identifiers: ClinVar variation 1455288 (VCV001455288.6), dbSNP rs2113691557, ClinGen allele CA2573140792.

ClinVar aggregate classification (germline): Pathogenic (1 of 4 stars; one submission).

Conditions:
Arrhythmogenic cardiomyopathy with wooly hair and keratoderma. Also called: PALMOPLANTAR KERATODERMA WITH LEFT VENTRICULAR CARDIOMYOPATHY AND WOOLLY HAIR; Carvajal syndrome; Dilated cardiomyopathy with woolly hair and keratoderma; Arrhythmogenic cardiomyopathy with woolly hair and keratoderma. Identifiers: Orphanet 65282, MedGen C1854063, MONDO:0011581, OMIM 605676.
Arrhythmogenic right ventricular dysplasia 8 (ARVD8). Also called: ARRHYTHMOGENIC RIGHT VENTRICULAR DYSPLASIA, FAMILIAL, 8; Arrhythmogenic Right Ventricular Dysplasia/Cardiomyopathy 8; ARRHYTHMOGENIC RIGHT VENTRICULAR CARDIOMYOPATHY 8. Identifiers: MedGen C1843896, MONDO:0011831, OMIM 607450.

Submission:

Labcorp Genetics (formerly Invitae), Labcorp
Classification: Pathogenic for Arrhythmogenic cardiomyopathy with wooly hair and keratoderma; Arrhythmogenic right ventricular dysplasia 8. Last evaluated: 2025-02-27. Review status: criteria provided, single submitter. Criteria: Invitae Variant Classification Sherloc (09022015). Collection method: clinical testing. Allele origin: germline.
Comment: This sequence change creates a premature translational stop signal (p.Tyr1116Metfs*43) in the DSP gene. It is expected to result in an absent or disrupted protein product. Loss-of-function variants in DSP are known to be pathogenic (PMID: 20716751, 24503780, 25227139). This variant is not present in population databases (gnomAD no frequency). This variant has not been reported in the literature in individuals affected with DSP-related conditions. ClinVar contains an entry for this variant (Variation ID: 1455288). For these reasons, this variant has been classified as Pathogenic.

Literature cited by the submitters: PubMed 20716751; PubMed 24503780; PubMed 25227139.